The following is an entry in ClinVar:

ClinVar aggregate classification (germline): Uncertain significance (1 of 4 stars; one submission).

Conditions:
Cardiovascular phenotype. Identifiers: MedGen CN230736.

gnomAD v4.1: 2 of 1,613,420 alleles (0.00012%); highest among the groups gnomAD compares: Admixed American, 0.0017%; no homozygotes.

Submission:

Ambry Genetics
Classification: Uncertain significance for Cardiovascular phenotype. Last evaluated: 2026-03-15. Review status: criteria provided, single submitter. Criteria: Ambry Variant Classification Scheme 2023. Collection method: clinical testing. Allele origin: germline.
Comment: The p.G1446E variant (also known as c.4337G>A), located in coding exon 10 of the TNXB gene, results from a G to A substitution at nucleotide position 4337. The glycine at codon 1446 is replaced by glutamic acid, an amino acid with similar properties. This amino acid position is conserved. In addition, this alteration is predicted to be tolerated by in silico analysis. Based on the available evidence, the clinical significance of this variant remains unclear.

NM_001365276.2(TNXB):c.4337G>A (p.Gly1446Glu)

Gene: TNXB (tenascin XB; minus strand). Cytogenetic location: 6p21.33.
Variant type: single nucleotide variant.
Coding change: c.4337G>A on transcript NM_001365276.2 (MANE Select); coding-DNA position 4337, G replaced by A.
Protein change: p.Gly1446Glu; replaces glycine 1446 with glutamic acid.
Molecular consequence: missense variant.
Genome position (GRCh38, 1-based): chr6:32,079,071, C>T on the plus strand (G>A on the coding strand, the complement: TNXB is on the minus strand). VCF-style: chr6-32079071-C-T. GRCh37 (hg19) VCF-style: chr6-32046848-C-T.
Other names: c.5078G>A, p.Gly1693Glu (NM_001428335.1); c.4337G>A, p.Gly1446Glu (NM_019105.8); short protein forms G1446E, G1693E.
Identifiers: ClinVar variation 4615219 (VCV004615219.2).